The following is an entry in ClinVar:

ClinVar aggregate classification (germline): Uncertain significance. Review status: criteria provided, single submitter (1 of 4 stars). 2 submissions from 2 submitters: Uncertain significance (1). 1 of the submissions does not count toward it. Last evaluated 2022-03-28.

Conditions:
Pontocerebellar hypoplasia, type 16. Identifiers: MedGen C5561987, MONDO:0030438, OMIM 619527.

gnomAD v4.1: 1 of 1,612,338 alleles (0.000062%); highest among the groups gnomAD compares: Non-Finnish European, 0.000085%; no homozygotes.

Submissions (2):

SIB Swiss Institute of Bioinformatics
Classification: Uncertain significance for Pontocerebellar hypoplasia, type 16. Last evaluated: 2022-03-28. Review status: criteria provided, single submitter. Criteria: ACMG Guidelines, 2015. Collection method: curation. Allele origin: unknown.
Comment: This variant is interpreted as a variant of uncertain significance for Pontocerebellar hypoplasia, type 16, autosomal recessive. The following ACMG Tag(s) were applied: Absent from controls (or at extremely low frequency if recessive) in Exome Sequencing Project, 1000 Genomes Project, or Exome Aggregation Consortium (PM2); Multiple lines of computational evidence support a deleterious effect on the gene or gene product (PP3); Well-established functional studies show a deleterious effect (PS3 downgraded to moderate).

OMIM
Classification: Pathogenic for PONTOCEREBELLAR HYPOPLASIA, TYPE 16. Last evaluated: 2022-09-08. Review status: no assertion criteria provided. Collection method: literature only. Allele origin: germline. Not counted in ClinVar's aggregate classification.

Literature cited by the submitters: PubMed 33257696 (cited by SIB Swiss Institute of Bioinformatics and OMIM).

NM_004897.5(MINPP1):c.1456G>A (p.Glu486Lys)

Genes: MINPP1 (multiple inositol-polyphosphate phosphatase 1; plus strand), LOC126860990 (CDK7 strongly-dependent group 2 enhancer GRCh37_chr10:89311461-89312660; plus strand). Cytogenetic location: 10q23.2.
Variant type: single nucleotide variant.
Coding change: c.1456G>A on transcript NM_004897.5 (MANE Select); coding-DNA position 1456, G replaced by A.
Protein change: p.Glu486Lys; replaces glutamic acid 486 with lysine.
Molecular consequence: missense variant. On other transcripts: 3 prime UTR variant (1).
Genome position (GRCh38, 1-based): chr10:87,552,470, G>A. VCF-style: chr10-87552470-G-A. GRCh37 (hg19) VCF-style: chr10-89312227-G-A.
Other names: c.*285G>A (NM_001178117.2); c.853G>A, p.Glu285Lys (NM_001178118.2); short protein forms E486K, E285K.
Identifiers: ClinVar variation 1285622 (VCV001285622.3), dbSNP rs2131848604, ClinGen allele CA377784461.
Genomic context (GRCh38, chr10:87,552,470, plus strand): 5'-CTTCAGAGTTGTCAAACCAGTGAAGAATGTGAATTAGCAAGGGCTAACAGTACATCTGAT[G>A]AACTATGAGTAACTGAAGAACATTTTTAATTCTTTAGGAATCTGCAATGAGTGATTACAT-3'
Protein context (NP_004888.2, residues 476-487): ELARANSTSD[Glu486Lys]L